The following is an entry in ClinVar:

NM_000834.5(GRIN2B):c.4066G>A (p.Val1356Met)

Gene: GRIN2B (glutamate ionotropic receptor NMDA type subunit 2B; minus strand). Cytogenetic location: 12p13.1.
Variant type: single nucleotide variant.
Coding change: c.4066G>A on transcript NM_000834.5 (MANE Select); coding-DNA position 4066, G replaced by A.
Protein change: p.Val1356Met; replaces valine 1356 with methionine.
Molecular consequence: missense variant.
Genome position (GRCh38, 1-based): chr12:13,563,172, C>T on the plus strand (G>A on the coding strand, the complement: GRIN2B is on the minus strand). VCF-style: chr12-13563172-C-T. GRCh37 (hg19) VCF-style: chr12-13716106-C-T.
Other names: p.V1356M:GTG>ATG; short protein forms V1356M.
Identifiers: ClinVar variation 205724 (VCV000205724.19), dbSNP rs796052579, ClinGen allele CA315075.

ClinVar aggregate classification (germline): Likely benign. Review status: criteria provided, multiple submitters, no conflicts (2 of 4 stars). 3 submissions from 3 submitters: Likely benign (3). Last evaluated 2025-01-28.

Conditions:
Inborn genetic diseases. Identifiers: MedGen C0950123, MeSH D030342.
Intellectual developmental disorder, autosomal dominant 6, with or without seizures. Also called: Intellectual disability, autosomal dominant 6; GRIN2B-related developmental delay, intellectual disability and autism spectrum disorder. Identifiers: Orphanet 589547, MedGen C3151411, MONDO:0013509, OMIM 613970.
Developmental and epileptic encephalopathy, 27 (DEE27). Also called: Epileptic encephalopathy, early infantile, 27; GRIN2B-Related Neurodevelopmental Disorder. Identifiers: Orphanet 3451, MedGen C4015316, MONDO:0014505, OMIM 616139.

Allele frequency attached by ClinVar (database versions not stated): gnomAD exomes below 0.00001; gnomAD 0.00002; TOPMed 0.00003.
gnomAD v4.1: 8 of 1,614,104 alleles (0.0005%); highest among the groups gnomAD compares: African/African-American, 0.004%; no homozygotes.

Submissions (3):

Labcorp Genetics (formerly Invitae), Labcorp
Classification: Likely benign for Developmental and epileptic encephalopathy, 27; Intellectual developmental disorder, autosomal dominant 6, with or without seizures. Last evaluated: 2025-01-28. Review status: criteria provided, single submitter. Criteria: Invitae Variant Classification Sherloc (09022015). Collection method: clinical testing. Allele origin: germline.

Ambry Genetics
Classification: Likely benign for Inborn genetic diseases. Last evaluated: 2024-10-18. Review status: criteria provided, single submitter. Criteria: Ambry Variant Classification Scheme 2023. Collection method: clinical testing. Allele origin: germline.

GeneDx
Classification: Likely benign. Last evaluated: 2020-07-15. Review status: criteria provided, single submitter. Criteria: GeneDx Variant Classification Process June 2021. Collection method: clinical testing. Allele origin: germline. Affected: yes.
Comment: In silico analysis supports that this missense variant does not alter protein structure/function; Has not been previously published as pathogenic or benign to our knowledge